The following is an entry in ClinVar:

NC_000018.9:g.(?_21512104)_(21513919_?)del

Gene: LAMA3 (laminin subunit alpha 3; plus strand). Cytogenetic location: 18q11.2.
Variant type: Deletion.
Identifiers: ClinVar variation 3242786 (VCV003242786.1).

ClinVar aggregate classification (germline): Pathogenic (1 of 4 stars; one submission).

Submission:

Labcorp Genetics (formerly Invitae), Labcorp
Classification: Pathogenic. Last evaluated: 2023-11-14. Review status: criteria provided, single submitter. Criteria: Invitae Variant Classification Sherloc (09022015). Collection method: clinical testing. Allele origin: unknown.
Comment: This variant is a gross deletion of the genomic region encompassing exon(s) 29-30 of the LAMA3 gene. This deletion is out-of-frame, and is expected to create a premature termination codon and result in an absent or disrupted protein product. Loss-of-function variants in LAMA3 are known to be pathogenic (PMID: 10366601, 11810295, 12915477, 16473856, 17362460, 22434185, 23869449, 27827380, 28087116). This variant has not been reported in the literature in individuals affected with LAMA3-related conditions. For these reasons, this variant has been classified as Pathogenic.

Literature cited by the submitters: PubMed 10366601; PubMed 11810295; PubMed 12915477; PubMed 16473856; PubMed 17362460; PubMed 22434185; PubMed 23869449; PubMed 27827380; PubMed 28087116.